The following is an entry in ClinVar:

ClinVar aggregate classification (germline): Uncertain significance. Review status: criteria provided, multiple submitters, no conflicts (2 of 4 stars). 3 submissions from 3 submitters: Uncertain significance (3). Last evaluated 2026-05-11.

Conditions:
HNF1B-related disorder. Also called: HNF1B-related disorders; HNF1B-related condition.
Type 2 diabetes mellitus. Also called: Type II diabetes mellitus. Identifiers: MedGen C0011860, MeSH D003924, MONDO:0005148, OMIM 125853, HP:0005978.
Nonpapillary renal cell carcinoma. Identifiers: Orphanet 422526, MedGen CN074294, MONDO:0007763, OMIM 144700.
Renal cysts and diabetes syndrome (RCAD). Also called: Familial hypoplastic, glomerulocystic kidney; MATURITY-ONSET DIABETES OF THE YOUNG, TYPE 5. Identifiers: Orphanet 93111, MedGen C0431693, MONDO:0007669, OMIM 137920.

gnomAD v4.1: 41 of 1,614,190 alleles (0.0025%); highest among the groups gnomAD compares: South Asian, 0.012%; no homozygotes.

Submissions (3):

PreventionGenetics, part of Exact Sciences
Classification: Uncertain significance for HNF1B-related condition. Last evaluated: 2026-05-11. Review status: criteria provided, single submitter. Criteria: ACMG Guidelines, 2015. Collection method: clinical testing. Allele origin: germline.
Comment: The HNF1B c.658G>A variant is predicted to result in the amino acid substitution p.Asp220Asn. To our knowledge, this variant has not been reported in the literature. This variant is reported in 0.0098% of alleles in individuals of South Asian descent in gnomAD. Although we suspect that this variant may be benign, at this time, the clinical significance of this variant is uncertain due to the absence of conclusive functional and genetic evidence.

Labcorp Genetics (formerly Invitae), Labcorp
Classification: Uncertain significance. Last evaluated: 2024-06-19. Review status: criteria provided, single submitter. Criteria: Invitae Variant Classification Sherloc (09022015). Collection method: clinical testing. Allele origin: germline.
Comment: This sequence change replaces aspartic acid, which is acidic and polar, with asparagine, which is neutral and polar, at codon 220 of the HNF1B protein (p.Asp220Asn). This variant is present in population databases (rs377555356, gnomAD 0.01%). This variant has not been reported in the literature in individuals affected with HNF1B-related conditions. Advanced modeling of protein sequence and biophysical properties (such as structural, functional, and spatial information, amino acid conservation, physicochemical variation, residue mobility, and thermodynamic stability) has been performed at Invitae for this missense variant, however the output from this modeling did not meet the statistical confidence thresholds required to predict the impact of this variant on HNF1B protein function. In summary, the available evidence is currently insufficient to determine the role of this variant in disease. Therefore, it has been classified as a Variant of Uncertain Significance.

Department of Pathology and Laboratory Medicine, Sinai Health System
Classification: Uncertain significance for Type 2 diabetes mellitus; Renal cysts and diabetes syndrome; Nonpapillary renal cell carcinoma. Last evaluated: 2022-05-18. Review status: criteria provided, single submitter. Criteria: ACMG Guidelines, 2015. Collection method: research. Allele origin: germline.

NM_000458.4(HNF1B):c.658G>A (p.Asp220Asn)

Genes: HNF1B (HNF1 homeobox B; minus strand), LOC126862549 (BRD4-independent group 4 enhancer GRCh37_chr17:36093401-36094600; plus strand). Cytogenetic location: 17q12.
Variant type: single nucleotide variant.
Coding change: c.658G>A on transcript NM_000458.4 (MANE Select); coding-DNA position 658, G replaced by A.
Protein change: p.Asp220Asn; replaces aspartic acid 220 with asparagine.
Molecular consequence: missense variant.
Genome position (GRCh38, 1-based): chr17:37,733,708, C>T on the plus strand (G>A on the coding strand, the complement: HNF1B is on the minus strand). VCF-style: chr17-37733708-C-T. GRCh37 (hg19) VCF-style: chr17-36093701-C-T.
Other names: c.580G>A, p.Asp194Asn (NM_001165923.4, NM_001304286.2); c.658G>A, p.Asp220Asn (NM_001411100.1); c.658G>A (NM_000458.3); short protein forms D194N, D220N.
Identifiers: ClinVar variation 3624779 (VCV003624779.4).